The following is an entry in ClinVar:

ClinVar aggregate classification (germline): Pathogenic (1 of 4 stars; one submission).

Conditions:
Desbuquois dysplasia 1 (DBQD1). Also called: MICROMELIC DWARFISM WITH VERTEBRAL AND METAPHYSEAL ABNORMALITIES AND ADVANCED CARPOTARSAL OSSIFICATION; DESBUQUOIS DYSPLASIA 1, KIM VARIANT. Identifiers: Orphanet 1425, MedGen C4012146, MONDO:0009629, OMIM 251450.

Submission:

Labcorp Genetics (formerly Invitae), Labcorp
Classification: Pathogenic for Desbuquois dysplasia 1. Last evaluated: 2022-08-06. Review status: criteria provided, single submitter. Criteria: Invitae Variant Classification Sherloc (09022015). Collection method: clinical testing. Allele origin: germline.
Comment: This sequence change creates a premature translational stop signal (p.Trp821*) in the XYLT1 gene. It is expected to result in an absent or disrupted protein product. Loss-of-function variants in XYLT1 are known to be pathogenic (PMID: 24581741, 26601923). For these reasons, this variant has been classified as Pathogenic. This variant has not been reported in the literature in individuals affected with XYLT1-related conditions. This variant is not present in population databases (gnomAD no frequency).

Literature cited by the submitters: PubMed 24581741; PubMed 26601923.

NM_022166.4(XYLT1):c.2462G>A (p.Trp821Ter)

Gene: XYLT1 (xylosyltransferase 1; minus strand). Cytogenetic location: 16p12.3.
Variant type: single nucleotide variant.
Coding change: c.2462G>A on transcript NM_022166.4 (MANE Select); coding-DNA position 2462, G replaced by A.
Protein change: p.Trp821Ter; replaces tryptophan 821 with a stop codon.
Molecular consequence: nonsense.
Genome position (GRCh38, 1-based): chr16:17,117,741, C>T on the plus strand (G>A on the coding strand, the complement: XYLT1 is on the minus strand). VCF-style: chr16-17117741-C-T. GRCh37 (hg19) VCF-style: chr16-17211598-C-T.
Other names: short protein forms W821*.
Identifiers: ClinVar variation 1977942 (VCV001977942.5), dbSNP rs2506152416, ClinGen allele CA395218342.